The following is an entry in ClinVar:

ClinVar aggregate classification (germline): Uncertain significance (1 of 4 stars; one submission).

Conditions:
Familial adenomatous polyposis 1 (FAP1). Also called: FAMILIAL ADENOMATOUS POLYPOSIS 1, ATTENUATED; POLYPOSIS, ADENOMATOUS INTESTINAL. Identifiers: MedGen C2713442, MONDO:0021056, OMIM 175100. Disease mechanism: loss of function.

Allele frequency attached by ClinVar (database versions not stated): TOPMed 0.00001.

Submission:

Labcorp Genetics (formerly Invitae), Labcorp
Classification: Uncertain significance for Familial adenomatous polyposis 1. Last evaluated: 2019-04-04. Review status: criteria provided, single submitter. Criteria: Invitae Variant Classification Sherloc (09022015). Collection method: clinical testing. Allele origin: germline.
Comment: The frequency data for this variant in the population databases is considered unreliable, as metrics indicate insufficient coverage at this position in the ExAC database. In summary, the available evidence is currently insufficient to determine the role of this variant in disease. Therefore, it has been classified as a Variant of Uncertain Significance. Experimental studies and prediction algorithms are not available for this variant, and the functional significance of this non-coding change is currently unknown. This variant has not been reported in the literature in individuals with APC-related conditions. This variant occurs in a non-coding region of the APC gene. It does not change the encoded amino acid sequence of the APC protein.

NM_001127511.3(APC):c.-200C>A

Genes: APC (APC regulator of Wnt signaling pathway; plus strand), LOC129994371 (ATAC-STARR-seq lymphoblastoid active region 22910; plus strand). Cytogenetic location: 5q22.2.
Variant type: single nucleotide variant.
Coding change: c.-200C>A on transcript NM_001127511.3; 200 bases upstream of the start codon, C replaced by A.
Molecular consequence: 5 prime UTR variant. On other transcripts: non-coding transcript variant (2).
Genome position (GRCh38, 1-based): chr5:112,707,518, C>A. VCF-style: chr5-112707518-C-A. GRCh37 (hg19) VCF-style: chr5-112043215-C-A.
Other names: c.-383C>A (NM_001354895.2, NM_001407447.1, NM_001407452.1 and 3 more transcripts); c.-200C>A (NM_001354897.2, NM_001354902.2, NM_001407446.1); c.-150C>A (NM_001407448.1, NM_001407450.1, NM_001407457.1 and 1 more transcripts); c.-174C>A (NM_001407453.1); c.-1418C>A (NM_001407470.1, NM_001407472.1).
Identifiers: ClinVar variation 1023330 (VCV001023330.9), dbSNP rs1460379840, ClinGen allele CA802057017.